The following is an entry in ClinVar:

NM_022455.5(NSD1):c.2224C>A (p.Pro742Thr)

Gene: NSD1 (nuclear receptor binding SET domain protein 1; plus strand). Cytogenetic location: 5q35.3.
Variant type: single nucleotide variant.
Coding change: c.2224C>A on transcript NM_022455.5 (MANE Select); coding-DNA position 2224, C replaced by A.
Protein change: p.Pro742Thr; replaces proline 742 with threonine.
Molecular consequence: missense variant.
Genome position (GRCh38, 1-based): chr5:177,210,623, C>A. VCF-style: chr5-177210623-C-A. GRCh37 (hg19) VCF-style: chr5-176637624-C-A.
Other names: c.1351C>A, p.Pro451Thr (NM_001365684.2, NM_001409306.1, NM_001409307.1 and 3 more transcripts); c.2224C>A, p.Pro742Thr (NM_001409301.1, NM_001409302.1, NM_001409303.1); c.1804C>A, p.Pro602Thr (NM_001409304.1); c.1471C>A, p.Pro491Thr (NM_001409305.1); short protein forms P451T, P491T, P602T, P742T.
Identifiers: ClinVar variation 4881112 (VCV004881112.2).

ClinVar aggregate classification (germline): Uncertain significance (1 of 4 stars; one submission).

Conditions:
Sotos syndrome (SOTOS). Also called: CEREBRAL GIGANTISM; Sotos' syndrome; Distinctive facial appearance, overgrowth in childhood, and learning disabilities or delayed development; CHROMOSOME 5q35 DELETION SYNDROME; SOTOS SYNDROME 1. Identifiers: Orphanet 821, MedGen C0175695, MONDO:0019349, OMIM 117550.

Submission:

Dasa
Classification: Uncertain significance for Sotos syndrome. Last evaluated: 2025-11-04. Review status: criteria provided, single submitter. Criteria: DASA Assertion Criteria. Collection method: clinical testing. Allele origin: germline.
Comment: NM_022455.5(NSD1):c.2224C>A (p.Pro742Thr) is a missense variant that results in the substitution of proline with threonine. This variant is absent from population databases. Computational prediction algorithms are consistent with a benign effect. The currently available literature and clinical evidence are not sufficient to establish a definitive association between this variant and the reported condition. Therefore, this variant is classified as a variant of uncertain significance.